The following is an entry in ClinVar:

ClinVar aggregate classification (germline): Uncertain significance (1 of 4 stars; one submission).

Conditions:
ABCD3-related disorder. Also called: ABCD3-related condition.

gnomAD v4.1: 2 of 1,613,846 alleles (0.00012%); highest among the groups gnomAD compares: South Asian, 0.0022%; no homozygotes.

Submission:

PreventionGenetics, part of Exact Sciences
Classification: Uncertain significance for ABCD3-related condition. Last evaluated: 2026-05-15. Review status: criteria provided, single submitter. Criteria: ACMG Guidelines, 2015. Collection method: clinical testing. Allele origin: germline.
Comment: The ABCD3 c.730C>G variant is predicted to result in the amino acid substitution p.Leu244Val. To our knowledge, this variant has not been reported in the literature. This variant is reported in 0.0033% of alleles in individuals of South Asian descent in gnomAD. At this time, the clinical significance of this variant is uncertain due to the absence of conclusive functional and genetic evidence.

NM_002858.4(ABCD3):c.730C>G (p.Leu244Val)

Gene: ABCD3 (ATP binding cassette subfamily D member 3; plus strand). Cytogenetic location: 1p21.3.
Variant type: single nucleotide variant.
Coding change: c.730C>G on transcript NM_002858.4 (MANE Select); coding-DNA position 730, C replaced by G.
Protein change: p.Leu244Val; replaces leucine 244 with valine.
Molecular consequence: missense variant.
Genome position (GRCh38, 1-based): chr1:94,480,509, C>G. VCF-style: chr1-94480509-C-G. GRCh37 (hg19) VCF-style: chr1-94946065-C-G.
Other names: short protein forms L244V.
Identifiers: ClinVar variation 4990025 (VCV004990025.1).
Genomic context (GRCh38, chr1:94,480,509, plus strand): 5'-TCCCAATAATAATAGGGCCCAGCGAGCATGATGGCCTACTTGGTTGTTTCTGGGCTATTC[C>G]TAACTCGACTTCGAAGACCCATTGGTAAGATGACAATAACTGAGCAAAAGTATGAAGGAG-3'
Protein context (NP_002849.1, residues 234-254): MAYLVVSGLF[Leu244Val]TRLRRPIGKM